The following is an entry in ClinVar:

NM_172107.4(KCNQ2):c.204del (p.Lys69fs)

Gene: KCNQ2 (potassium voltage-gated channel subfamily Q member 2; minus strand). Cytogenetic location: 20q13.33.
Variant type: Deletion.
Coding change: c.204del on transcript NM_172107.4 (MANE Select); coding-DNA position 204, one base deleted (C; older notation c.204delC).
Protein change: p.Lys69fs; shifts the reading frame from lysine 69.
Molecular consequence: frameshift variant.
Genome position (GRCh38, 1-based): chr20:63,472,260, G deleted on the plus strand (C on the coding strand, the reverse complement: KCNQ2 is on the minus strand); the first of 6 consecutive G bases (chr20:63,472,260-63,472,265); deleting any one gives the same sequence. VCF-style (leftmost placement, unchanged base first): chr20-63472259-TG-T. GRCh37 (hg19) VCF-style: chr20-62103612-TG-T.
Other names: c.204del, p.Lys69fs (NM_004518.6, NM_172106.3, NM_172108.5 and 1 more transcripts); short protein forms K69fs.
Identifiers: ClinVar variation 817818 (VCV000817818.4), dbSNP rs118192188, ClinGen allele CA915953117.

ClinVar aggregate classification (germline): Pathogenic. Review status: criteria provided, multiple submitters, no conflicts (2 of 4 stars). 2 submissions from 2 submitters: Pathogenic (2). Last evaluated 2022-12-30.

Conditions:
Early-infantile DEE. Also called: Early infantile epileptic encephalopathy with suppression bursts; Ohtahara syndrome; Early infantile epileptic encephalopathy. Identifiers: Orphanet 1934, MedGen C0393706, MONDO:0800491.

Submissions (2):

Labcorp Genetics (formerly Invitae), Labcorp
Classification: Pathogenic for Early-infantile DEE. Last evaluated: 2022-12-30. Review status: criteria provided, single submitter. Criteria: Invitae Variant Classification Sherloc (09022015). Collection method: clinical testing. Allele origin: germline.
Comment: For these reasons, this variant has been classified as Pathogenic. ClinVar contains an entry for this variant (Variation ID: 817818). This variant has not been reported in the literature in individuals affected with KCNQ2-related conditions. This variant is not present in population databases (gnomAD no frequency). This sequence change creates a premature translational stop signal (p.Lys69Serfs*64) in the KCNQ2 gene. It is expected to result in an absent or disrupted protein product. Loss-of-function variants in KCNQ2 are known to be pathogenic (PMID: 14534157, 23692823, 27779742).

GeneDx
Classification: Pathogenic. Last evaluated: 2018-09-25. Review status: criteria provided, single submitter. Criteria: GeneDx Variant Classification (06012015). Collection method: clinical testing. Allele origin: germline. Affected: yes.
Comment: The c.204delC pathogenic variant in the KCNQ2 gene causes a frameshift starting with codon Lysine 69, changes this amino acid to a Serine residue and creates a premature Stop codon at position 64 of the new reading frame, denoted p.Lys69SerfsX64. This pathogenic variant is predicted to cause loss of normal protein function either through protein truncation or nonsense-mediated mRNA decay. The c.204delC variant is not observed in large population cohorts (Lek et al., 2016).

Literature cited by the submitters: PubMed 14534157 (cited by Labcorp Genetics (formerly Invitae), Labcorp); PubMed 23692823 (cited by Labcorp Genetics (formerly Invitae), Labcorp); PubMed 27779742 (cited by Labcorp Genetics (formerly Invitae), Labcorp).